The following is an entry in ClinVar:

ClinVar aggregate classification (germline): Uncertain significance. Review status: criteria provided, multiple submitters, no conflicts (2 of 4 stars). 2 submissions from 2 submitters: Uncertain significance (2). Last evaluated 2023-12-01.

Conditions:
Autosomal recessive nonsyndromic hearing loss 12. Also called: DEAFNESS, AUTOSOMAL RECESSIVE 12. Identifiers: Orphanet 90636, MedGen C1832394, MONDO:0011067, OMIM 601386.

Allele frequency attached by ClinVar (database versions not stated): gnomAD exomes below 0.00001.
gnomAD v4.1: 1 of 1,614,068 alleles (0.000062%); highest among the groups gnomAD compares: Non-Finnish European, 0.000085%; no homozygotes.

Submissions (2):

3billion
Classification: Uncertain significance for Autosomal recessive nonsyndromic hearing loss 12. Last evaluated: 2023-12-01. Review status: criteria provided, single submitter. Criteria: ACMG Guidelines, 2015. Collection method: clinical testing. Allele origin: germline. Affected: yes.
Comment: The variant is not observed in the gnomAD v2.1.1 dataset. Predicted Consequence/Location: The majority of the known disease-causing variants of this gene are variants expected to result in premature termination of the protein. Premature termination of the protein is a common disease-causing mechanism for this gene. Damaging effect on gene or gene product predicted by in silico programs is uncertain [REVEL: 0.24 (damaging >=0.6, benign <0.4), 3Cnet: 0.35 (damaging >=0.6, benign <0.15), Splice AI: 0.03 (spliceogenicity >=0.2, non-spliceogenicity <0.1)]. Therefore, this variant is classified as VUS according to the recommendation of ACMG/AMP guideline.

GeneDx
Classification: Uncertain significance. Last evaluated: 2021-04-09. Review status: criteria provided, single submitter. Criteria: GeneDx Variant Classification Process June 2021. Collection method: clinical testing. Allele origin: germline. Affected: yes.
Comment: Not observed in large population cohorts (Lek et al., 2016); In silico analysis supports that this missense variant has a deleterious effect on protein structure/function; Has not been previously published as pathogenic or benign to our knowledge

NM_022124.6(CDH23):c.7304C>T (p.Ala2435Val)

Gene: CDH23 (cadherin related 23; plus strand). Cytogenetic location: 10q22.1.
Variant type: single nucleotide variant.
Coding change: c.7304C>T on transcript NM_022124.6 (MANE Select); coding-DNA position 7304, C replaced by T.
Protein change: p.Ala2435Val; replaces alanine 2435 with valine.
Molecular consequence: missense variant.
Genome position (GRCh38, 1-based): chr10:71,799,571, C>T. VCF-style: chr10-71799571-C-T. GRCh37 (hg19) VCF-style: chr10-73559328-C-T.
Other names: c.584C>T, p.Ala195Val (NM_001171933.1, NM_001171934.1); short protein forms A195V, A2435V.
Identifiers: ClinVar variation 1314396 (VCV001314396.3), dbSNP rs2132968723, ClinGen allele CA377159471.